The following is an entry in ClinVar:

ClinVar aggregate classification (germline): Uncertain significance (1 of 4 stars; one submission).

Conditions:
Cataract 36. Identifiers: MedGen C3151304, MONDO:0013484, OMIM 613887.

gnomAD v4.1: 3 of 1,610,998 alleles (0.00019%); highest among the groups gnomAD compares: Non-Finnish European, 0.00025%; no homozygotes.

Submission:

Genetics Department, University Hospital of Toulouse
Classification: Uncertain significance for Cataract 36. Last evaluated: 2025-10-05. Review status: criteria provided, single submitter. Criteria: ACMG Guidelines, 2015. Collection method: clinical testing. Allele origin: biparental. Affected: yes.
Comment: The variant NM_014290.3:c.2159G>A p.(Arg720Gln) is a missense mvariant in TDRD7. It was classified as VUS (PM2,PP3, BP1).

NM_014290.3(TDRD7):c.2159G>A (p.Arg720Gln)

Gene: TDRD7 (tudor domain containing 7; plus strand). Cytogenetic location: 9q22.33.
Variant type: single nucleotide variant.
Coding change: c.2159G>A on transcript NM_014290.3 (MANE Select); coding-DNA position 2159, G replaced by A.
Protein change: p.Arg720Gln; replaces arginine 720 with glutamine.
Molecular consequence: missense variant.
Genome position (GRCh38, 1-based): chr9:97,475,462, G>A. VCF-style: chr9-97475462-G-A. GRCh37 (hg19) VCF-style: chr9-100237744-G-A.
Other names: c.1937G>A, p.Arg646Gln (NM_001302884.2); short protein forms R646Q, R720Q.
Identifiers: ClinVar variation 4796480 (VCV004796480.1).